The following is an entry in ClinVar:

NM_001356.5(DDX3X):c.329G>A (p.Arg110His)

Gene: DDX3X (DEAD-box helicase 3 X-linked; plus strand). Cytogenetic location: Xp11.4.
Variant type: single nucleotide variant.
Coding change: c.329G>A on transcript NM_001356.5 (MANE Select); coding-DNA position 329, G replaced by A.
Protein change: p.Arg110His; replaces arginine 110 with histidine.
Molecular consequence: missense variant. On other transcripts: 5 prime UTR variant (1), non-coding transcript variant (1).
Genome position (GRCh38, 1-based): chrX:41,342,539, G>A. VCF-style: chrX-41342539-G-A. GRCh37 (hg19) VCF-style: chrX-41201792-G-A.
Other names: c.329G>A, p.Arg110His (NM_001193416.3); c.281G>A, p.Arg94His (NM_001193417.3); c.-230G>A (NM_001363819.1); short protein forms R110H, R94H.
Identifiers: ClinVar variation 1717685 (VCV001717685.5), dbSNP rs2519508672, ClinGen allele CA412765811.

ClinVar aggregate classification (germline): Uncertain significance (1 of 4 stars; one submission).

Submission:

Labcorp Genetics (formerly Invitae), Labcorp
Classification: Uncertain significance. Last evaluated: 2022-08-22. Review status: criteria provided, single submitter. Criteria: Invitae Variant Classification Sherloc (09022015). Collection method: clinical testing. Allele origin: germline.
Comment: Algorithms developed to predict the effect of missense changes on protein structure and function are either unavailable or do not agree on the potential impact of this missense change (SIFT: "Tolerated"; PolyPhen-2: "Not Available"; Align-GVGD: "Class C0"). This missense change has been observed in individual(s) with DDX3X-related conditions (Invitae). This variant is not present in population databases (gnomAD no frequency). This sequence change replaces arginine, which is basic and polar, with histidine, which is basic and polar, at codon 110 of the DDX3X protein (p.Arg110His). In summary, the available evidence is currently insufficient to determine the role of this variant in disease. Therefore, it has been classified as a Variant of Uncertain Significance.